The following is an entry in ClinVar:

ClinVar aggregate classification (germline): Benign/Likely benign. Review status: criteria provided, multiple submitters, no conflicts (2 of 4 stars). 4 submissions from 4 submitters: Benign (1); Likely benign (3). Last evaluated 2026-01-14.

Conditions:
Ehlers-Danlos syndrome, classic type, 1 (EDSCL1). Also called: Ehlers-Danlos Syndrome, Classic Type, COL5A1-Related; EDS I; EHLERS-DANLOS SYNDROME, GRAVIS TYPE; EHLERS-DANLOS SYNDROME, SEVERE CLASSIC TYPE; Ehlers-Danlos syndrome, type 1. Identifiers: MedGen C0268335, MONDO:0019567, OMIM 130000.

Allele frequency attached by ClinVar (database versions not stated): gnomAD exomes 0.00007 and 0.00018; TOPMed 0.00012; ExAC 0.00014; ESP Exome Variant Server 0.00015; 1000 Genomes Project 0.00020; gnomAD 0.00006.
gnomAD v4.1: 125 of 1,607,728 alleles (0.0078%); highest among the groups gnomAD compares: Middle Eastern, 0.066%; no homozygotes.

Submissions (4):

Labcorp Genetics (formerly Invitae), Labcorp
Classification: Likely benign for Ehlers-Danlos syndrome, classic type, 1. Last evaluated: 2026-01-14. Review status: criteria provided, single submitter. Criteria: Invitae Variant Classification Sherloc (09022015). Collection method: clinical testing. Allele origin: germline.

Women's Health and Genetics/Laboratory Corporation of America, LabCorp
Classification: Benign. Last evaluated: 2025-11-13. Review status: criteria provided, single submitter. Criteria: LabCorp Variant Classification Summary - May 2015. Collection method: clinical testing. Allele origin: germline.

Blueprint Genetics
Classification: Likely benign. Last evaluated: 2023-09-22. Review status: criteria provided, single submitter. Criteria: ACMG Guidelines, 2015. Collection method: clinical testing. Allele origin: germline.

GeneDx
Classification: Likely benign. Last evaluated: 2016-07-26. Review status: criteria provided, single submitter. Criteria: GeneDx Variant Classification (06012015). Collection method: clinical testing. Allele origin: germline. Affected: yes.
Comment: This variant is considered likely benign or benign based on one or more of the following criteria: it is a conservative change, it occurs at a poorly conserved position in the protein, it is predicted to be benign by multiple in silico algorithms, and/or has population frequency not consistent with disease.

NM_000093.5(COL5A1):c.2646+14G>A

Gene: COL5A1 (collagen type V alpha 1 chain; plus strand). Cytogenetic location: 9q34.3.
Variant type: single nucleotide variant.
Coding change: c.2646+14G>A on transcript NM_000093.5 (MANE Select); 14 bases into the intron after coding-DNA position 2646, G replaced by A.
Molecular consequence: intron variant.
Genome position (GRCh38, 1-based): chr9:134,786,062, G>A. VCF-style: chr9-134786062-G-A. GRCh37 (hg19) VCF-style: chr9-137677908-G-A.
Other names: c.2646+14G>A (NM_001278074.1).
Identifiers: ClinVar variation 377723 (VCV000377723.11), dbSNP rs200583777, ClinGen allele CA5319486.